The following is an entry in ClinVar:

ClinVar aggregate classification (germline): Uncertain significance. Review status: criteria provided, multiple submitters, no conflicts (2 of 4 stars). 2 submissions from 2 submitters: Uncertain significance (2). Last evaluated 2022-03-24.

Conditions:
Galactosylceramide beta-galactosidase deficiency. Also called: Leukodystrophy, Globoid Cell; GALACTOCEREBROSIDASE DEFICIENCY; GALC DEFICIENCY; GLOBOID CELL LEUKOENCEPHALOPATHY; Krabbe Disease. Identifiers: Orphanet 487, MedGen C0023521, MONDO:0009499, OMIM 245200.

Submissions (2):

Labcorp Genetics (formerly Invitae), Labcorp
Classification: Uncertain significance for Galactosylceramide beta-galactosidase deficiency. Last evaluated: 2022-03-24. Review status: criteria provided, single submitter. Criteria: Invitae Variant Classification Sherloc (09022015). Collection method: clinical testing. Allele origin: germline.
Comment: This sequence change replaces tyrosine, which is neutral and polar, with serine, which is neutral and polar, at codon 370 of the GALC protein (p.Tyr370Ser). This variant is present in population databases (no rsID available, gnomAD 0.4%). This variant has not been reported in the literature in individuals affected with GALC-related conditions. Algorithms developed to predict the effect of missense changes on protein structure and function are either unavailable or do not agree on the potential impact of this missense change (SIFT: "Not Available"; PolyPhen-2: "Probably Damaging"; Align-GVGD: "Not Available"). Algorithms developed to predict the effect of sequence changes on RNA splicing suggest that this variant may create or strengthen a splice site. In summary, the available evidence is currently insufficient to determine the role of this variant in disease. Therefore, it has been classified as a Variant of Uncertain Significance.

Revvity Omics, Revvity
Classification: Uncertain significance. Last evaluated: 2021-02-19. Review status: criteria provided, single submitter. Criteria: ACMG Guidelines, 2015. Collection method: clinical testing. Allele origin: germline.

NM_000153.4(GALC):c.1109_1110delinsCG (p.Tyr370Ser)

Gene: GALC (galactosylceramidase; minus strand). Cytogenetic location: 14q31.3.
Variant type: Indel.
Coding change: c.1109_1110delinsCG on transcript NM_000153.4 (MANE Select); coding-DNA positions 1109 to 1110, AC replaced by CG.
Protein change: p.Tyr370Ser; replaces tyrosine 370 with serine.
Molecular consequence: missense variant.
Genome position (GRCh38, 1-based): chr14:87,963,435-87,963,436, GT replaced by CG on the plus strand (AC replaced by CG on the coding strand, the reverse complement: GALC is on the minus strand). VCF-style: chr14-87963435-GT-CG. GRCh37 (hg19) VCF-style: chr14-88429779-GT-CG.
Other names: c.1040_1041delinsCG, p.Tyr347Ser (NM_001201401.2); c.1031_1032delinsCG, p.Tyr344Ser (NM_001201402.2); short protein forms Y370S, Y347S, Y344S.
Identifiers: ClinVar variation 2195928 (VCV002195928.4), dbSNP rs2503430860, ClinGen allele CA2580088852.